The following is an entry in ClinVar:

ClinVar aggregate classification (germline): Uncertain significance. Review status: criteria provided, multiple submitters, no conflicts (2 of 4 stars). 4 submissions from 4 submitters: Uncertain significance (4). Last evaluated 2026-01-21.

Allele frequency attached by ClinVar (database versions not stated): gnomAD 0.00007 and 0.00006; gnomAD exomes 0.00007 and 0.00013; TOPMed 0.00008; 1000 Genomes Project 30x 0.00031; ExAC 0.00035; 1000 Genomes Project 0.00040.
gnomAD v4.1: 112 of 1,548,666 alleles (0.0072%); highest among the groups gnomAD compares: South Asian, 0.057%; no homozygotes.

Submissions (4):

Labcorp Genetics (formerly Invitae), Labcorp
Classification: Uncertain significance. Last evaluated: 2026-01-21. Review status: criteria provided, single submitter. Criteria: Invitae Variant Classification Sherloc (09022015). Collection method: clinical testing. Allele origin: germline.
Comment: This sequence change replaces alanine, which is neutral and non-polar, with valine, which is neutral and non-polar, at codon 331 of the ZNF469 protein (p.Ala331Val). This variant is present in population databases (rs149485731, gnomAD 0.04%). This variant has not been reported in the literature in individuals affected with ZNF469-related conditions. ClinVar contains an entry for this variant (Variation ID: 426589). An algorithm developed to predict the effect of missense changes on protein structure and function (PolyPhen-2) suggests that this variant is likely to be tolerated. In summary, the available evidence is currently insufficient to determine the role of this variant in disease. Therefore, it has been classified as a Variant of Uncertain Significance.

GeneDx
Classification: Uncertain significance. Last evaluated: 2025-06-25. Review status: criteria provided, single submitter. Criteria: GeneDx Variant Classification Process June 2021. Collection method: clinical testing. Allele origin: germline. Affected: yes.
Comment: In silico analysis suggests that this missense variant does not alter protein structure/function; Has not been previously published as pathogenic or benign to our knowledge

CeGaT Center for Human Genetics Tuebingen
Classification: Uncertain significance. Last evaluated: 2023-11-01. Review status: criteria provided, single submitter. Criteria: CeGaT Center For Human Genetics Tuebingen Variant Classification Criteria Version 2. Collection method: clinical testing. Allele origin: germline. Affected: yes. Observed: 1 variant allele.
Comment: ZNF469: PM2

Women's Health and Genetics/Laboratory Corporation of America, LabCorp
Classification: Uncertain significance. Last evaluated: 2023-10-03. Review status: criteria provided, single submitter. Criteria: LabCorp Variant Classification Summary - May 2015. Collection method: clinical testing. Allele origin: germline.
Comment: Variant summary: ZNF469 c.992C>T (p.Ala331Val) results in a non-conservative amino acid change in the encoded protein sequence. Three of five in-silico tools predict a benign effect of the variant on protein function. The variant allele was found at a frequency of 0.00013 in 147274 control chromosomes (gnomAD). This frequency is not significantly higher than estimated for a pathogenic variant in ZNF469 causing Brittle Cornea Syndrome 1 (0.00013 vs 0.0011), allowing no conclusion about variant significance. To our knowledge, no occurrence of c.992C>T in individuals affected with Brittle Cornea Syndrome 1 and no experimental evidence demonstrating its impact on protein function have been reported. Two submitters have cited clinical-significance assessments for this variant to ClinVar after 2014. Both submitters classified the variant as uncertain significance. Based on the evidence outlined above, the variant was classified as uncertain significance.

NM_001367624.2(ZNF469):c.992C>T (p.Ala331Val)

Gene: ZNF469 (zinc finger protein 469; plus strand). Cytogenetic location: 16q24.2.
Variant type: single nucleotide variant.
Coding change: c.992C>T on transcript NM_001367624.2 (MANE Select); coding-DNA position 992, C replaced by T.
Protein change: p.Ala331Val; replaces alanine 331 with valine.
Molecular consequence: missense variant.
Genome position (GRCh38, 1-based): chr16:88,428,462, C>T. VCF-style: chr16-88428462-C-T. GRCh37 (hg19) VCF-style: chr16-88494870-C-T.
Other names: NM_001127464.1:c.992C>T; short protein forms A331V.
Identifiers: ClinVar variation 426589 (VCV000426589.30), dbSNP rs149485731, ClinGen allele CA8224652.